The following is an entry in ClinVar:

ClinVar aggregate classification (germline): Conflicting classifications of pathogenicity. Review status: criteria provided, conflicting classifications (1 of 4 stars). 5 submissions from 5 submitters: Uncertain significance (3); Likely benign (1). 1 of the submissions does not count toward it. Last evaluated 2026-08-03.

Conditions:
SEC23B-related disorder. Also called: SEC23B-related disorders; SEC23B-related condition.
Congenital dyserythropoietic anemia, type II (CDAN2). Also called: DYSERYTHROPOIETIC ANEMIA, HEMPAS TYPE. Identifiers: Orphanet 98873, MedGen C1306589, MONDO:0009134, OMIM 224100.
Cowden syndrome 7 (CWS7). Identifiers: Orphanet 201, MedGen C4225179, MONDO:0014802, OMIM 616858.
Inborn genetic diseases. Identifiers: MedGen C0950123, MeSH D030342.

Allele frequency attached by ClinVar (database versions not stated): gnomAD exomes 0.00020 and 0.00045; ExAC 0.00059; 1000 Genomes Project 0.00140; ESP Exome Variant Server 0.00185; 1000 Genomes Project 30x 0.00187; TOPMed 0.00187; gnomAD 0.00189 and 0.00207.
gnomAD v4.1: 608 of 1,614,190 alleles (0.038%); highest among the groups gnomAD compares: African/African-American, 0.67%; 3 homozygotes.

Submissions (5):

Ambry Genetics
Classification: Uncertain significance for Inborn genetic diseases. Last evaluated: 2026-08-03. Review status: criteria provided, single submitter. Criteria: Ambry Variant Classification Scheme 2023. Collection method: clinical testing. Allele origin: germline.

Labcorp Genetics (formerly Invitae), Labcorp
Classification: Likely benign for Congenital dyserythropoietic anemia, type II; Cowden syndrome 7. Last evaluated: 2026-01-22. Review status: criteria provided, single submitter. Criteria: Invitae Variant Classification Sherloc (09022015). Collection method: clinical testing. Allele origin: germline.

ARUP Laboratories, Molecular Genetics and Genomics, ARUP Laboratories
Classification: Uncertain significance. Last evaluated: 2025-07-03. Review status: criteria provided, single submitter. Criteria: ARUP Molecular Germline Variant Investigation Process 2024. Collection method: clinical testing. Allele origin: germline.
Comment: The SEC23B c.1595G>C; p.Gly532Ala variant (rs143456757), to our knowledge, is not reported in the medical literature but is reported in ClinVar (Variation ID: 767195). This variant is found in the African/African-American population with an allele frequency of 0.66% (164/24966 alleles) in the Genome Aggregation Database (v2.1.1). Computational analyses are uncertain whether this variant is neutral or deleterious (REVEL: 0.471). While the high population frequency suggests that this is likely a benign variant, given the lack of clinical and functional data, the significance of this variant is uncertain at this time.

Mayo Clinic Laboratories, Mayo Clinic
Classification: Uncertain significance. Last evaluated: 2025-05-27. Review status: criteria provided, single submitter. Criteria: ACMG Guidelines, 2015. Collection method: clinical testing. Allele origin: germline. Observed: 2 variant alleles.

PreventionGenetics, part of Exact Sciences
Classification: Likely benign for SEC23B-related condition. Last evaluated: 2019-07-01. Review status: no assertion criteria provided. Collection method: clinical testing. Allele origin: germline. Not counted in ClinVar's aggregate classification.
Comment: This variant is classified as likely benign based on ACMG/AMP sequence variant interpretation guidelines (Richards et al. 2015 PMID: 25741868, with internal and published modifications).

NM_006363.6(SEC23B):c.1595G>C (p.Gly532Ala)

Gene: SEC23B (SEC23 homolog B, COPII component; plus strand). Cytogenetic location: 20p11.23.
Variant type: single nucleotide variant.
Coding change: c.1595G>C on transcript NM_006363.6 (MANE Select); coding-DNA position 1595, G replaced by C.
Protein change: p.Gly532Ala; replaces glycine 532 with alanine.
Molecular consequence: missense variant.
Genome position (GRCh38, 1-based): chr20:18,543,102, G>C. VCF-style: chr20-18543102-G-C. GRCh37 (hg19) VCF-style: chr20-18523746-G-C.
Other names: p.Gly532Ala; c.1595G>C, p.Gly532Ala (NM_032986.5, NM_001172745.3, NM_032985.6); c.1541G>C, p.Gly514Ala (NM_001172746.3); short protein forms G514A, G532A.
Identifiers: ClinVar variation 767195 (VCV000767195.25), dbSNP rs143456757, ClinGen allele CA9778415.